The following is an entry in ClinVar:

NM_031460.4(KCNK17):c.729C>G (p.Asn243Lys)

Gene: KCNK17 (potassium two pore domain channel subfamily K member 17; minus strand). Cytogenetic location: 6p21.2.
Variant type: single nucleotide variant.
Coding change: c.729C>G on transcript NM_031460.4 (MANE Select); coding-DNA position 729, C replaced by G.
Protein change: p.Asn243Lys; replaces asparagine 243 with lysine.
Molecular consequence: missense variant. On other transcripts: 3 prime UTR variant (1).
Genome position (GRCh38, 1-based): chr6:39,299,697, G>C on the plus strand (C>G on the coding strand, the complement: KCNK17 is on the minus strand). VCF-style: chr6-39299697-G-C. GRCh37 (hg19) VCF-style: chr6-39267473-G-C.
Other names: c.*64C>G (NM_001135111.2); short protein forms N243K.
Identifiers: ClinVar variation 3778640 (VCV003778640.1).

ClinVar aggregate classification (germline): Uncertain significance (1 of 4 stars; one submission).

Submission:

Clinical Genomics Laboratory, Stanford Medicine
Classification: Uncertain significance. Last evaluated: 2021-11-15. Review status: criteria provided, single submitter. Criteria: ACMG Guidelines, 2015. Collection method: clinical testing. Allele origin: germline. Observed: 1 variant allele, 1 heterozygote.
Comment: The p.Asn243Lys variant in the KCNK17 gene has not been previously reported in association with disease. This variant was absent from large population databases, including the Genome Aggregation Database. The asparagine at position 243 is not evolutionarily conserved. Computational tools predict that the p.Asn243Lys variant does not impact protein function; however, the accuracy of in silico algorithms is limited. These data were assessed using the ACMG/AMP variant interpretation guidelines. In summary, the significance of the p.Asn243Lys variant is uncertain. Additional information is needed to resolve the significance of this variant. [ACMG evidence codes used: PM2; BP4]